The following is an entry in ClinVar:

NM_000368.5(TSC1):c.914-20G>C

Gene: TSC1 (TSC complex subunit 1; minus strand). Cytogenetic location: 9q34.13.
Variant type: single nucleotide variant.
Coding change: c.914-20G>C on transcript NM_000368.5 (MANE Select); 20 bases into the intron before coding-DNA position 914, G replaced by C.
Molecular consequence: intron variant.
Genome position (GRCh38, 1-based): chr9:132,911,588, C>G on the plus strand (G>C on the coding strand, the complement: TSC1 is on the minus strand). VCF-style: chr9-132911588-C-G. GRCh37 (hg19) VCF-style: chr9-135786975-C-G.
Other names: c.551-20G>C (NM_001362177.2); c.761-20G>C (NM_001162427.2); c.914-20G>C (NM_001162426.2).
Identifiers: ClinVar variation 1551976 (VCV001551976.10), dbSNP rs1588325085, ClinGen allele CA2573144253.

ClinVar aggregate classification (germline): Likely benign. Review status: criteria provided, multiple submitters, no conflicts (2 of 4 stars). 3 submissions from 3 submitters: Likely benign (3). Last evaluated 2025-10-19.

Conditions:
Tuberous sclerosis 1 (TSC1). Identifiers: Orphanet 805, MedGen C1854465, MONDO:0008612, OMIM 191100.

Allele frequency attached by ClinVar (database versions not stated): gnomAD exomes below 0.00001.
gnomAD v4.1: 3 of 802,310 alleles (0.00037%); highest among the groups gnomAD compares: Non-Finnish European, 0.00055%; no homozygotes.

Submissions (3):

Labcorp Genetics (formerly Invitae), Labcorp
Classification: Likely benign for Tuberous sclerosis 1. Last evaluated: 2025-10-19. Review status: criteria provided, single submitter. Criteria: Invitae Variant Classification Sherloc (09022015). Collection method: clinical testing. Allele origin: germline.

Myriad Genetics, Inc.
Classification: Likely benign for Tuberous sclerosis 1. Last evaluated: 2025-04-09. Review status: criteria provided, single submitter. Criteria: Myriad Autosomal Dominant, Autosomal Recessive and X-Linked Classification Criteria (2023). Collection method: clinical testing. Allele origin: unknown.
Comment: This variant is considered likely benign. This variant is intronic and is not expected to impact mRNA splicing.

Blueprint Genetics
Classification: Likely benign. Last evaluated: 2023-03-02. Review status: criteria provided, single submitter. Criteria: ACMG Guidelines, 2015. Collection method: clinical testing. Allele origin: germline.